The following is an entry in ClinVar:

NM_020401.4(NUP107):c.2670+1G>A

Gene: NUP107 (nucleoporin 107; plus strand). Cytogenetic location: 12q15.
Variant type: single nucleotide variant.
Coding change: c.2670+1G>A on transcript NM_020401.4 (MANE Select); the canonical splice donor site of the intron after coding-DNA position 2670, G replaced by A.
Molecular consequence: splice donor variant.
Genome position (GRCh38, 1-based): chr12:68,741,981, G>A. VCF-style: chr12-68741981-G-A. GRCh37 (hg19) VCF-style: chr12-69135761-G-A.
Other names: NC_000012.11:g.69135761G>A; c.2583+1G>A (NM_001330192.2).
Identifiers: ClinVar variation 2637679 (VCV002637679.2), dbSNP rs770194594, ClinGen allele CA6678180.
Genomic context (GRCh38, chr12:68,741,981, plus strand): 5'-TATCAGGAATGCCTACAGTTAGCAGATATGGTATCCTCTGAGCGCCACAAACTGTACCTG[G>A]TAAGTTCTAGAGCCTTGTAGTTTTAAATTTTAATGATTTGATATGCTCTGTAGTAATATT-3'

ClinVar aggregate classification (germline): Uncertain significance (1 of 4 stars; one submission).

Allele frequency attached by ClinVar (database versions not stated): ExAC 0.00001.

Submissions (2):

Women's Health and Genetics/Laboratory Corporation of America, LabCorp
Classification: Uncertain significance. Last evaluated: 2023-10-11. Review status: criteria provided, single submitter. Criteria: LabCorp Variant Classification Summary - May 2015. Collection method: clinical testing. Allele origin: germline.
Comment: Variant summary: NUP107 c.2670+1G>A is located in a canonical splice-site and is predicted to affect mRNA splicing resulting in a significantly altered protein due to either exon skipping, shortening, or inclusion of intronic material. Several computational tools predict a significant impact on normal splicing: four predict the variant abolishes a 5' splicing donor site. However, these predictions have yet to be confirmed by functional studies. The variant was absent in 235008 control chromosomes (gnomAD). To our knowledge, no occurrence of c.2670+1G>A in individuals affected with Nephrotic Syndrome, Type 11 and no experimental evidence demonstrating its impact on protein function have been reported. No submitters have cited clinical-significance assessments for this variant to ClinVar after 2014. Based on the evidence outlined above, the variant was classified as VUS-possibly pathogenic.

Dr. Peter K. Rogan Lab, Western University
No classification provided (evidence only). Condition: Clear cell carcinoma of kidney. Review status: no classification provided. Collection method: in vitro. Allele origin: not applicable. Functional consequence: retained intron. Not counted in ClinVar's aggregate classification.